The following is an entry in ClinVar:

NM_015559.3(SETBP1):c.1248T>C (p.His416=)

Gene: SETBP1 (SET binding protein 1; plus strand). Cytogenetic location: 18q12.3.
Variant type: single nucleotide variant.
Coding change: c.1248T>C on transcript NM_015559.3 (MANE Select); coding-DNA position 1248, T replaced by C.
Protein change: p.His416=; no amino-acid change (histidine 416 retained).
Molecular consequence: synonymous variant.
Genome position (GRCh38, 1-based): chr18:44,950,588, T>C. VCF-style: chr18-44950588-T-C. GRCh37 (hg19) VCF-style: chr18-42530553-T-C.
Identifiers: ClinVar variation 702636 (VCV000702636.19), dbSNP rs144249054, ClinGen allele CA8945585.
Genomic context (GRCh38, chr18:44,950,588, plus strand): 5'-CTCAAGTCATGTCCGGATTACTATCCCCATCAAGGCACCCTCTCTGGATCCAACCAACCA[T>C]AAGAGGAAAAAAAGACAGTCCATTAAAGCGGTGGTGGAAAAGATCATGCCAGAGAAAGCC-3'
Protein context (NP_056374.2, residues 406-426): IKAPSLDPTN[His416=]KRKKRQSIKA

ClinVar aggregate classification (germline): Benign/Likely benign. Review status: criteria provided, multiple submitters, no conflicts (2 of 4 stars). 6 submissions from 6 submitters: Benign (4); Likely benign (1). 1 of the submissions does not count toward it. Last evaluated 2026-02-03.

Conditions:
SETBP1-related disorder. Also called: SETBP1-related condition; SETBP1-related disorders.

Allele frequency attached by ClinVar (database versions not stated): ExAC 0.00068; 1000 Genomes Project 0.00180; 1000 Genomes Project 30x 0.00187; gnomAD 0.00224 and 0.00254; ESP Exome Variant Server 0.00269; TOPMed 0.00274.
gnomAD v4.1: 689 of 1,613,802 alleles (0.043%); highest among the groups gnomAD compares: African/African-American, 0.8%; 3 homozygotes.

Submissions (6):

Labcorp Genetics (formerly Invitae), Labcorp
Classification: Benign. Last evaluated: 2026-02-03. Review status: criteria provided, single submitter. Criteria: Invitae Variant Classification Sherloc (09022015). Collection method: clinical testing. Allele origin: germline.

Blueprint Genetics
Classification: Likely benign. Last evaluated: 2024-07-15. Review status: criteria provided, single submitter. Criteria: ACMG Guidelines, 2015. Collection method: clinical testing. Allele origin: germline.

Genetic Services Laboratory, University of Chicago
Classification: Benign. Last evaluated: 2019-06-14. Review status: criteria provided, single submitter. Criteria: ACMG Guidelines, 2015. Collection method: clinical testing. Allele origin: germline. Affected: no.

GeneDx
Classification: Benign. Last evaluated: 2019-05-10. Review status: criteria provided, single submitter. Criteria: GeneDx Variant Classification Process June 2021. Collection method: clinical testing. Allele origin: germline. Affected: yes.

Breakthrough Genomics
Classification: Benign. Review status: criteria provided, single submitter. Criteria: ACMG Guidelines, 2015. Collection method: not provided. Allele origin: germline. Inheritance: Autosomal dominant inheritance. Affected: yes.

PreventionGenetics, part of Exact Sciences
Classification: Benign for SETBP1-related condition. Last evaluated: 2024-09-03. Review status: no assertion criteria provided. Collection method: clinical testing. Allele origin: germline. Not counted in ClinVar's aggregate classification.
Comment: This variant is classified as benign based on ACMG/AMP sequence variant interpretation guidelines (Richards et al. 2015 PMID: 25741868, with internal and published modifications).